The following is an entry in ClinVar:

ClinVar aggregate classification (germline): Uncertain significance (1 of 4 stars; one submission).

Allele frequency attached by ClinVar (database versions not stated): gnomAD 0.00001; gnomAD exomes 0.00001.
gnomAD v4.1: 8 of 1,613,532 alleles (0.0005%); highest among the groups gnomAD compares: Admixed American, 0.0017%; no homozygotes.

Submission:

Labcorp Genetics (formerly Invitae), Labcorp
Classification: Uncertain significance. Last evaluated: 2025-04-07. Review status: criteria provided, single submitter. Criteria: Invitae Variant Classification Sherloc (09022015). Collection method: clinical testing. Allele origin: germline.
Comment: This sequence change replaces glycine, which is neutral and non-polar, with arginine, which is basic and polar, at codon 1869 of the LRP2 protein (p.Gly1869Arg). This variant is not present in population databases (gnomAD no frequency). This variant has not been reported in the literature in individuals affected with LRP2-related conditions. ClinVar contains an entry for this variant (Variation ID: 2097737). Invitae Evidence Modeling of protein sequence and biophysical properties (such as structural, functional, and spatial information, amino acid conservation, physicochemical variation, residue mobility, and thermodynamic stability) indicates that this missense variant is expected to disrupt LRP2 protein function with a positive predictive value of 95%. In summary, the available evidence is currently insufficient to determine the role of this variant in disease. Therefore, it has been classified as a Variant of Uncertain Significance.

NM_004525.3(LRP2):c.5605G>A (p.Gly1869Arg)

Gene: LRP2 (LDL receptor related protein 2; minus strand). Cytogenetic location: 2q31.1.
Variant type: single nucleotide variant.
Coding change: c.5605G>A on transcript NM_004525.3 (MANE Select); coding-DNA position 5605, G replaced by A.
Protein change: p.Gly1869Arg; replaces glycine 1869 with arginine.
Molecular consequence: missense variant.
Genome position (GRCh38, 1-based): chr2:169,220,497, C>T on the plus strand (G>A on the coding strand, the complement: LRP2 is on the minus strand). VCF-style: chr2-169220497-C-T. GRCh37 (hg19) VCF-style: chr2-170077007-C-T.
Other names: short protein forms G1869R.
Identifiers: ClinVar variation 2097737 (VCV002097737.4), dbSNP rs1679279406, ClinGen allele CA349137925.